The following is an entry in ClinVar:

NM_001987.5(ETV6):c.329-5T>C

Gene: ETV6 (ETS variant transcription factor 6; plus strand). Cytogenetic location: 12p13.2.
Variant type: single nucleotide variant.
Coding change: c.329-5T>C on transcript NM_001987.5 (MANE Select); 5 bases into the intron before coding-DNA position 329, T replaced by C.
Molecular consequence: intron variant.
Genome position (GRCh38, 1-based): chr12:11,853,422, T>C. VCF-style: chr12-11853422-T-C. GRCh37 (hg19) VCF-style: chr12-12006356-T-C.
Other names: c.302-5T>C (NM_001413914.1); c.329-5T>C (NM_001413917.1, NM_001413916.1); c.326-5T>C (NM_001413913.1); c.65-5T>C (NM_001413915.1).
Identifiers: ClinVar variation 5036228 (VCV005036228.1).

ClinVar aggregate classification (germline): Uncertain significance (1 of 4 stars; one submission).

Conditions:
Inborn genetic diseases. Identifiers: MedGen C0950123, MeSH D030342.

gnomAD v4.1: 1 of 1,614,062 alleles (0.000062%); highest among the groups gnomAD compares: Non-Finnish European, 0.000085%; no homozygotes.

Submission:

Ambry Genetics
Classification: Uncertain significance for Inborn genetic diseases. Last evaluated: 2026-09-04. Review status: criteria provided, single submitter. Criteria: Ambry Variant Classification Scheme 2023. Collection method: clinical testing. Allele origin: germline.
Comment: The c.329-5T>C intronic variant results from a T to C substitution 5 nucleotides upstream from coding exon 4 in the ETV6 gene. This nucleotide position is not well conserved in available vertebrate species. In silico splice site analysis predicts that this alteration will not have any significant effect on splicing. Based on the available evidence, the clinical significance of this variant remains unclear.